The following is an entry in ClinVar:

ClinVar aggregate classification (germline): Uncertain significance (1 of 4 stars; one submission).

gnomAD v4.1: 8 of 1,553,932 alleles (0.00051%); highest among the groups gnomAD compares: East Asian, 0.019%; no homozygotes.

Submission:

Labcorp Genetics (formerly Invitae), Labcorp
Classification: Uncertain significance. Last evaluated: 2025-06-08. Review status: criteria provided, single submitter. Criteria: Invitae Variant Classification Sherloc (09022015). Collection method: clinical testing. Allele origin: germline.
Comment: This sequence change replaces proline, which is neutral and non-polar, with leucine, which is neutral and non-polar, at codon 37 of the COL9A2 protein (p.Pro37Leu). The frequency data for this variant in the population databases is considered unreliable, as metrics indicate poor data quality at this position in the gnomAD database. This variant has not been reported in the literature in individuals affected with COL9A2-related conditions. Experimental studies and prediction algorithms are not available or were not evaluated, and the functional significance of this variant is currently unknown. In summary, the available evidence is currently insufficient to determine the role of this variant in disease. Therefore, it has been classified as a Variant of Uncertain Significance.

NM_001852.4(COL9A2):c.110C>T (p.Pro37Leu)

Genes: COL9A2 (collagen type IX alpha 2 chain; minus strand), LOC129930261 (ATAC-STARR-seq lymphoblastoid silent region 724; plus strand). Cytogenetic location: 1p34.2.
Variant type: single nucleotide variant.
Coding change: c.110C>T on transcript NM_001852.4 (MANE Select); coding-DNA position 110, C replaced by T.
Protein change: p.Pro37Leu; replaces proline 37 with leucine.
Molecular consequence: missense variant.
Genome position (GRCh38, 1-based): chr1:40,315,630, G>A on the plus strand (C>T on the coding strand, the complement: COL9A2 is on the minus strand). VCF-style: chr1-40315630-G-A. GRCh37 (hg19) VCF-style: chr1-40781302-G-A.
Other names: short protein forms P37L.
Identifiers: ClinVar variation 4750198 (VCV004750198.1).